The following is an entry in ClinVar:

ClinVar aggregate classification (germline): Uncertain significance. Review status: criteria provided, multiple submitters, no conflicts (2 of 4 stars). 2 submissions from 2 submitters: Uncertain significance (2). Last evaluated 2025-01-21.

Conditions:
Inborn genetic diseases. Identifiers: MedGen C0950123, MeSH D030342.

Submissions (2):

Ambry Genetics
Classification: Uncertain significance for Inborn genetic diseases. Last evaluated: 2025-01-21. Review status: criteria provided, single submitter. Criteria: Ambry Variant Classification Scheme 2023. Collection method: clinical testing. Allele origin: germline.

Labcorp Genetics (formerly Invitae), Labcorp
Classification: Uncertain significance. Last evaluated: 2021-08-10. Review status: criteria provided, single submitter. Criteria: Invitae Variant Classification Sherloc (09022015). Collection method: clinical testing. Allele origin: germline.
Comment: This sequence change replaces glycine with aspartic acid at codon 1064 of the ABCA4 protein (p.Gly1064Asp). The glycine residue is highly conserved and there is a moderate physicochemical difference between glycine and aspartic acid. This variant is not present in population databases (ExAC no frequency). This variant has not been reported in the literature in individuals affected with ABCA4-related conditions. Algorithms developed to predict the effect of missense changes on protein structure and function (SIFT, PolyPhen-2, Align-GVGD) all suggest that this variant is likely to be disruptive. In summary, the available evidence is currently insufficient to determine the role of this variant in disease. Therefore, it has been classified as a Variant of Uncertain Significance.

NM_000350.3(ABCA4):c.3191G>A (p.Gly1064Asp)

Gene: ABCA4 (ATP binding cassette subfamily A member 4; minus strand). Cytogenetic location: 1p22.1.
Variant type: single nucleotide variant.
Coding change: c.3191G>A on transcript NM_000350.3 (MANE Select); coding-DNA position 3191, G replaced by A.
Protein change: p.Gly1064Asp; replaces glycine 1064 with aspartic acid.
Molecular consequence: missense variant.
Genome position (GRCh38, 1-based): chr1:94,042,898, C>T on the plus strand (G>A on the coding strand, the complement: ABCA4 is on the minus strand). VCF-style: chr1-94042898-C-T. GRCh37 (hg19) VCF-style: chr1-94508454-C-T.
Other names: c.3191G>A (NM_000350.2); c.2969G>A, p.Gly990Asp (NM_001425324.1); short protein forms G1064D, G990D.
Identifiers: ClinVar variation 1511665 (VCV001511665.7), dbSNP rs2101050759, ClinGen allele CA341292381.
Genomic context (GRCh38, chr1:94,042,898, plus strand): 5'-ATCACCACCTTGGCATCTCCCACAAAGGCAATGGCAACCGACAGCTTTCTCTGCATGCCA[C>T]CTGGAGGCACAAGAAGGACGGGAGAGTTAAGGGGCTGTGGAGGGTGAGGAAGAGAAAGGC-3'
Protein context (NP_000341.2, residues 1054-1074): KRNEEAQDLS[Gly1064Asp]GMQRKLSVAI